The following is an entry in ClinVar:

ClinVar aggregate classification (germline): Uncertain significance. Review status: criteria provided, multiple submitters, no conflicts (2 of 4 stars). 2 submissions from 2 submitters: Uncertain significance (2). Last evaluated 2025-11-10.

Conditions:
Hereditary cancer-predisposing syndrome. Also called: Tumor predisposition; Hereditary neoplastic syndrome; Neoplastic Syndromes, Hereditary; Hereditary Cancer Syndrome. Identifiers: Orphanet 140162, MedGen C0027672, MeSH D009386, MONDO:0015356.

Allele frequency attached by ClinVar (database versions not stated): gnomAD exomes below 0.00001 and 0.00001; ExAC 0.00001.
gnomAD v4.1: 9 of 1,614,172 alleles (0.00056%); highest among the groups gnomAD compares: Non-Finnish European, 0.00076%; no homozygotes.

Submissions (2):

Labcorp Genetics (formerly Invitae), Labcorp
Classification: Uncertain significance. Last evaluated: 2025-11-10. Review status: criteria provided, single submitter. Criteria: Invitae Variant Classification Sherloc (09022015). Collection method: clinical testing. Allele origin: germline.
Comment: This sequence change replaces valine, which is neutral and non-polar, with leucine, which is neutral and non-polar, at codon 1444 of the POLE protein (p.Val1444Leu). This variant is present in population databases (rs773110517, gnomAD 0.0009%). This variant has not been reported in the literature in individuals affected with POLE-related conditions. ClinVar contains an entry for this variant (Variation ID: 951830). Invitae Evidence Modeling of protein sequence and biophysical properties (such as structural, functional, and spatial information, amino acid conservation, physicochemical variation, residue mobility, and thermodynamic stability) indicates that this missense variant is not expected to disrupt POLE protein function with a negative predictive value of 80%. In summary, the available evidence is currently insufficient to determine the role of this variant in disease. Therefore, it has been classified as a Variant of Uncertain Significance.

Ambry Genetics
Classification: Uncertain significance for Hereditary cancer-predisposing syndrome. Last evaluated: 2025-02-02. Review status: criteria provided, single submitter. Criteria: Ambry Variant Classification Scheme 2023. Collection method: clinical testing. Allele origin: germline.
Comment: The p.V1444L variant (also known as c.4330G>T), located in coding exon 34 of the POLE gene, results from a G to T substitution at nucleotide position 4330. The valine at codon 1444 is replaced by leucine, an amino acid with highly similar properties. This amino acid position is conserved. In addition, this alteration is predicted to be tolerated by in silico analysis. Based on the available evidence, the clinical significance of this variant remains unclear.

NM_006231.4(POLE):c.4330G>T (p.Val1444Leu)

Gene: POLE (DNA polymerase epsilon, catalytic subunit; minus strand). Cytogenetic location: 12q24.33.
Variant type: single nucleotide variant.
Coding change: c.4330G>T on transcript NM_006231.4 (MANE Select); coding-DNA position 4330, G replaced by T.
Protein change: p.Val1444Leu; replaces valine 1444 with leucine.
Molecular consequence: missense variant.
Genome position (GRCh38, 1-based): chr12:132,643,521, C>A on the plus strand (G>T on the coding strand, the complement: POLE is on the minus strand). VCF-style: chr12-132643521-C-A. GRCh37 (hg19) VCF-style: chr12-133220107-C-A.
Other names: c.4330G>T (NM_006231.2); short protein forms V1444L.
Identifiers: ClinVar variation 951830 (VCV000951830.10), dbSNP rs773110517, ClinGen allele CA6892881.